The following is an entry in ClinVar:

NM_182961.4(SYNE1):c.3272G>T (p.Arg1091Leu)

Gene: SYNE1 (spectrin repeat containing nuclear envelope protein 1; minus strand). Cytogenetic location: 6q25.2.
Variant type: single nucleotide variant.
Coding change: c.3272G>T on transcript NM_182961.4 (MANE Select); coding-DNA position 3272, G replaced by T.
Protein change: p.Arg1091Leu; replaces arginine 1091 with leucine.
Molecular consequence: missense variant.
Genome position (GRCh38, 1-based): chr6:152,450,748, C>A on the plus strand (G>T on the coding strand, the complement: SYNE1 is on the minus strand). VCF-style: chr6-152450748-C-A. GRCh37 (hg19) VCF-style: chr6-152771883-C-A.
Other names: c.3293G>T, p.Arg1098Leu (NM_033071.5); short protein forms R1091L, R1098L.
Identifiers: ClinVar variation 5008291 (VCV005008291.1).

ClinVar aggregate classification (germline): Uncertain significance (1 of 4 stars; one submission).

gnomAD v4.1: 9 of 1,613,952 alleles (0.00056%); highest among the groups gnomAD compares: Admixed American, 0.01%; no homozygotes.

Submission:

GeneDx
Classification: Uncertain significance. Last evaluated: 2026-03-09. Review status: criteria provided, single submitter. Criteria: GeneDx Variant Classification Process June 2021. Collection method: clinical testing. Allele origin: germline.
Comment: Not observed at significant frequency in large population cohorts (gnomAD); In silico analysis supports that this missense variant has a deleterious effect on protein structure/function; Has not been previously published as pathogenic or benign to our knowledge